The following is an entry in ClinVar:

ClinVar aggregate classification (germline): Conflicting classifications of pathogenicity. Review status: criteria provided, conflicting classifications (1 of 4 stars). 5 submissions from 5 submitters: Uncertain significance (3); Likely benign (1). 1 of the submissions does not count toward it. Last evaluated 2025-10-06.

Conditions:
Hereditary nonpolyposis colorectal neoplasms. Identifiers: MedGen C0009405, MeSH D003123.
Hereditary cancer-predisposing syndrome. Also called: Neoplastic Syndromes, Hereditary; Tumor predisposition; Hereditary Cancer Syndrome; Hereditary neoplastic syndrome. Identifiers: Orphanet 140162, MedGen C0027672, MeSH D009386, MONDO:0015356.
Malignant tumor of breast. Also called: Malignant breast neoplasm; Cancer breast. Identifiers: MedGen C0006142, MONDO:0007254. Disease mechanism: loss of function.
Endometrial carcinoma. Also called: Endometrial carcinoma, somatic. Identifiers: MedGen C0476089, MONDO:0002447, OMIM 608089, HP:0012114.

Allele frequency attached by ClinVar (database versions not stated): gnomAD exomes below 0.00001; TOPMed below 0.00001.
gnomAD v4.1: 6 of 1,613,006 alleles (0.00037%); highest among the groups gnomAD compares: East Asian, 0.0045%; no homozygotes.

Submissions (5):

Labcorp Genetics (formerly Invitae), Labcorp
Classification: Likely benign for Hereditary nonpolyposis colorectal neoplasms. Last evaluated: 2025-10-06. Review status: criteria provided, single submitter. Criteria: Invitae Variant Classification Sherloc (09022015). Collection method: clinical testing. Allele origin: germline.

Ambry Genetics
Classification: Uncertain significance for Hereditary cancer-predisposing syndrome. Last evaluated: 2023-11-06. Review status: criteria provided, single submitter. Criteria: Ambry Variant Classification Scheme 2023. Collection method: clinical testing. Allele origin: germline.
Comment: The p.Q835E variant (also known as c.2503C>G), located in coding exon 4 of the MSH6 gene, results from a C to G substitution at nucleotide position 2503. The glutamine at codon 835 is replaced by glutamic acid, an amino acid with highly similar properties. This amino acid position is well conserved in available vertebrate species. In addition, the in silico prediction for this alteration is inconclusive. Since supporting evidence is limited at this time, the clinical significance of this alteration remains unclear.

Baylor Genetics
Classification: Uncertain significance for Endometrial carcinoma. Last evaluated: 2023-06-07. Review status: criteria provided, single submitter. Criteria: ACMG Guidelines, 2015. Collection method: clinical testing. Allele origin: unknown.

Color Diagnostics, LLC DBA Color Health
Classification: Uncertain significance for Hereditary cancer-predisposing syndrome. Last evaluated: 2021-03-19. Review status: criteria provided, single submitter. Criteria: ACMG Guidelines, 2015. Collection method: clinical testing. Allele origin: germline.
Comment: This missense variant replaces glutamine with glutamic acid at codon 835 of the MSH6 protein. Computational prediction suggests that this variant may not impact protein structure and function (internally defined REVEL score threshold <= 0.5, PMID: 27666373). To our knowledge, functional studies have not been reported for this variant. This variant has not been reported in individuals affected with breast cancer in the literature (PMID: 32019277, 32547938). This variant has been identified in 1/248314 chromosomes in the general population by the Genome Aggregation Database (gnomAD). The available evidence is insufficient to determine the role of this variant in disease conclusively. Therefore, this variant is classified as a Variant of Uncertain Significance.

Department of Pathology and Laboratory Medicine, Sinai Health System
Classification: Uncertain significance for Malignant tumor of breast. Review status: no assertion criteria provided. Collection method: clinical testing. Allele origin: unknown. Affected: yes. Observed: 1 variant allele. Study: The Canadian Open Genetics Repository (COGR). Not counted in ClinVar's aggregate classification.
Comment: The MSH6 p.Gln835Glu variant was not identified in the literature nor was it identified in the UMD-LSDB database. The variant was also identified in dbSNP (ID: rs63751321) as "With Uncertain significance allele" and ClinVar (classified as uncertain significance by Ambry Genetics). The variant was identified in control databases in 1 of 244044 chromosomes at a frequency of 0.000004 (Genome Aggregation Database Feb 27, 2017). The variant was observed in the East Asian population in 1 of 17164 chromosomes (freq: 0.00006), but not in the African, Other, Latino, European, Ashkenazi Jewish, Finnish, or South Asian populations. The p.Gln835 residue is conserved in mammals but not in more distantly related organisms and four out of five computational analyses (PolyPhen-2, SIFT, AlignGVGD, BLOSUM, MutationTaster) do not suggest a high likelihood of impact to the protein; this information is not predictive enough to rule out pathogenicity. The variant occurs outside of the splicing consensus sequence and 1 of 4 in silico or computational prediction software programs (SpliceSiteFinder, MaxEntScan, NNSPLICE, GeneSplicer) predict a greater than 10% difference in splicing; this is not very predictive of pathogenicity. In summary, based on the above information, the clinical significance of this variant cannot be determined with certainty at this time. This variant is classified as a variant of uncertain significance.

Literature cited by the submitters: PubMed 32019277 (cited by Ambry Genetics).

NM_000179.3(MSH6):c.2503C>G (p.Gln835Glu)

Gene: MSH6 (mutS homolog 6; plus strand). Cytogenetic location: 2p16.3.
Variant type: single nucleotide variant.
Coding change: c.2503C>G on transcript NM_000179.3 (MANE Select); coding-DNA position 2503, C replaced by G.
Protein change: p.Gln835Glu; replaces glutamine 835 with glutamic acid.
Molecular consequence: missense variant.
Genome position (GRCh38, 1-based): chr2:47,800,486, C>G. VCF-style: chr2-47800486-C-G. GRCh37 (hg19) VCF-style: chr2-48027625-C-G.
Other names: c.2113C>G, p.Gln705Glu (NM_001281492.2); c.1597C>G, p.Gln533Glu (NM_001281493.2, NM_001281494.2); short protein forms Q835E, Q705E, Q533E.
Identifiers: ClinVar variation 233701 (VCV000233701.19), dbSNP rs63751321, ClinGen allele CA10578107.